The following is an entry in ClinVar:

NM_018417.6(ADCY10):c.3720T>C (p.Asn1240=)

Gene: ADCY10 (adenylate cyclase 10; minus strand). Cytogenetic location: 1q24.2.
Variant type: single nucleotide variant.
Coding change: c.3720T>C on transcript NM_018417.6 (MANE Select); coding-DNA position 3720, T replaced by C.
Protein change: p.Asn1240=; no amino-acid change (asparagine 1240 retained).
Molecular consequence: synonymous variant.
Genome position (GRCh38, 1-based): chr1:167,829,297, A>G on the plus strand (T>C on the coding strand, the complement: ADCY10 is on the minus strand). VCF-style: chr1-167829297-A-G. GRCh37 (hg19) VCF-style: chr1-167798535-A-G.
Other names: p.Asn1240=; c.3261T>C, p.Asn1087= (NM_001167749.3); c.3444T>C, p.Asn1148= (NM_001297772.2).
Identifiers: ClinVar variation 791226 (VCV000791226.13), dbSNP rs61738760, ClinGen allele CA1227271.

ClinVar aggregate classification (germline): Benign/Likely benign. Review status: criteria provided, multiple submitters, no conflicts (2 of 4 stars). 5 submissions from 5 submitters: Benign (4); Likely benign (1). Last evaluated 2026-01-19.

Conditions:
Familial idiopathic hypercalciuria (HCA2). Also called: Hypercalciuria, absorptive, 2; Hypercalciuria, absorptive, susceptibility to. Identifiers: MedGen C0342639, MONDO:0007748, OMIM 143870.
ADCY10-related disorder. Also called: ADCY10-related condition.

Allele frequency attached by ClinVar (database versions not stated): gnomAD exomes 0.00068 and 0.00177; ExAC 0.00210; gnomAD 0.00680 and 0.00721; 1000 Genomes Project 0.00719; TOPMed 0.00756; 1000 Genomes Project 30x 0.00796; ESP Exome Variant Server 0.00815.
gnomAD v4.1: 2,082 of 1,614,116 alleles (0.13%); highest among the groups gnomAD compares: African/African-American, 2.4%; 24 homozygotes.

Submissions (5):

Labcorp Genetics (formerly Invitae), Labcorp
Classification: Benign. Last evaluated: 2026-01-19. Review status: criteria provided, single submitter. Criteria: Invitae Variant Classification Sherloc (09022015). Collection method: clinical testing. Allele origin: germline.

PreventionGenetics, part of Exact Sciences
Classification: Benign for ADCY10-related condition. Last evaluated: 2025-07-03. Review status: criteria provided, single submitter. Criteria: ACMG Guidelines, 2015. Collection method: clinical testing. Allele origin: germline.
Comment: This variant is classified as benign based on ACMG/AMP sequence variant interpretation guidelines (Richards et al. 2015 PMID: 25741868, with internal and published modifications).

Mayo Clinic Laboratories, Mayo Clinic
Classification: Benign. Last evaluated: 2023-12-22. Review status: criteria provided, single submitter. Criteria: ACMG Guidelines, 2015. Collection method: clinical testing. Allele origin: germline. Observed: 2 variant alleles.
Comment: BS1, BS2, BP4, BP7

Fulgent Genetics
Classification: Likely benign for Familial idiopathic hypercalciuria. Last evaluated: 2021-07-23. Review status: criteria provided, single submitter. Criteria: ACMG Guidelines, 2015. Collection method: clinical testing. Allele origin: unknown.

Breakthrough Genomics
Classification: Benign. Review status: criteria provided, single submitter. Criteria: ACMG Guidelines, 2015. Collection method: not provided. Allele origin: germline. Inheritance: Autosomal dominant inheritance. Affected: yes.